The following is an entry in ClinVar:

NM_002474.3(MYH11):c.4524G>A (p.Met1508Ile)

Genes: MYH11 (myosin heavy chain 11; minus strand), NDE1 (nudE neurodevelopment protein 1; plus strand). Cytogenetic location: 16p13.11.
Variant type: single nucleotide variant.
Coding change: c.4524G>A on transcript NM_002474.3 (MANE Select); coding-DNA position 4524, G replaced by A.
Protein change: p.Met1508Ile; replaces methionine 1508 with isoleucine.
Molecular consequence: missense variant. On other transcripts: intron variant (2).
Genome position (GRCh38, 1-based): chr16:15,721,476, C>T on the plus strand (G>A on the coding strand, the complement: MYH11 is on the minus strand). VCF-style: chr16-15721476-C-T. GRCh37 (hg19) VCF-style: chr16-15815333-C-T.
Other names: c.4545G>A, p.Met1515Ile (NM_001040113.2, NM_001040114.2); c.4524G>A, p.Met1508Ile (NM_022844.3); c.948-2715C>T (NM_001143979.2, NM_017668.3); short protein forms M1508I, M1515I.
Identifiers: ClinVar variation 3719944 (VCV003719944.2).

ClinVar aggregate classification (germline): Uncertain significance (1 of 4 stars; one submission).

Conditions:
Aortic aneurysm, familial thoracic 4 (AAT4). Also called: AORTIC ANEURYSM/AORTIC DISSECTION AND PATENT DUCTUS ARTERIOSUS. Identifiers: MedGen C1851504, MONDO:0007568, OMIM 132900.

gnomAD v4.1: 1 of 1,614,192 alleles (0.000062%); highest among the groups gnomAD compares: Non-Finnish European, 0.000085%; no homozygotes.

Submission:

Labcorp Genetics (formerly Invitae), Labcorp
Classification: Uncertain significance for Aortic aneurysm, familial thoracic 4. Last evaluated: 2024-12-23. Review status: criteria provided, single submitter. Criteria: Invitae Variant Classification Sherloc (09022015). Collection method: clinical testing. Allele origin: germline.
Comment: This sequence change replaces methionine, which is neutral and non-polar, with isoleucine, which is neutral and non-polar, at codon 1515 of the MYH11 protein (p.Met1515Ile). This variant is not present in population databases (gnomAD no frequency). This variant has not been reported in the literature in individuals affected with MYH11-related conditions. Invitae Evidence Modeling of protein sequence and biophysical properties (such as structural, functional, and spatial information, amino acid conservation, physicochemical variation, residue mobility, and thermodynamic stability) indicates that this missense variant is not expected to disrupt MYH11 protein function with a negative predictive value of 95%. In summary, the available evidence is currently insufficient to determine the role of this variant in disease. Therefore, it has been classified as a Variant of Uncertain Significance.